The following is an entry in ClinVar:

NM_001009944.3(PKD1):c.7863+11C>T

Gene: PKD1 (polycystin 1, transient receptor potential channel interacting; minus strand). Cytogenetic location: 16p13.3.
Variant type: single nucleotide variant.
Coding change: c.7863+11C>T on transcript NM_001009944.3 (MANE Select); 11 bases into the intron after coding-DNA position 7863, C replaced by T.
Molecular consequence: intron variant.
Genome position (GRCh38, 1-based): chr16:2,105,854, G>A on the plus strand (C>T on the coding strand, the complement: PKD1 is on the minus strand). VCF-style: chr16-2105854-G-A. GRCh37 (hg19) VCF-style: chr16-2155855-G-A.
Other names: c.7863+11C>T (NM_000296.4).
Identifiers: ClinVar variation 257006 (VCV000257006.15), dbSNP rs368629973, ClinGen allele CA7830873.

ClinVar aggregate classification (germline): Benign/Likely benign. Review status: criteria provided, multiple submitters, no conflicts (2 of 4 stars). 7 submissions from 7 submitters: Benign (1); Likely benign (5). 1 of the submissions does not count toward it. Last evaluated 2026-06-17.

Conditions:
Polycystic kidney disease, adult type (PKD1). Also called: Polycystic Kidney, Autosomal Dominant; Polycystic Kidney Disease 1, Autosomal Dominant; Polycystic kidney disease 1; Polycystic kidney disease 1, severe; POLYCYSTIC KIDNEY DISEASE 1 WITH OR WITHOUT POLYCYSTIC LIVER DISEASE; POLYCYSTIC KIDNEY DISEASE, ADULT, TYPE I. Identifiers: MedGen C3149841, MONDO:0008263, OMIM 173900.
Polycystic kidney disease. Also called: Polycystic kidney dysplasia; Kidney, Polycystic. Identifiers: MedGen C0022680, MeSH D007690, MONDO:0020642, HP:0000113.

Allele frequency attached by ClinVar (database versions not stated): ExAC 0.00048; gnomAD exomes 0.00055; 1000 Genomes Project 0.00100; 1000 Genomes Project 30x 0.00125; gnomAD 0.00214; TOPMed 0.00217; ESP Exome Variant Server 0.00235.
gnomAD v4.1: 613 of 1,595,188 alleles (0.038%); highest among the groups gnomAD compares: African/African-American, 0.71%; 2 homozygotes.

Submissions (7):

Women's Health and Genetics/Laboratory Corporation of America, LabCorp
Classification: Likely benign. Last evaluated: 2026-06-17. Review status: criteria provided, single submitter. Criteria: LabCorp Variant Classification Summary - May 2015. Collection method: clinical testing. Allele origin: germline.

Blueprint Genetics
Classification: Likely benign. Last evaluated: 2024-11-06. Review status: criteria provided, single submitter. Criteria: ACMG Guidelines, 2015. Collection method: clinical testing. Allele origin: germline.

Fulgent Genetics
Classification: Likely benign for Polycystic kidney disease, adult type. Last evaluated: 2021-11-11. Review status: criteria provided, single submitter. Criteria: ACMG Guidelines, 2015. Collection method: clinical testing. Allele origin: unknown.

ARUP Laboratories, Molecular Genetics and Genomics, ARUP Laboratories
Classification: Benign for Polycystic kidney disease, adult type. Last evaluated: 2018-09-04. Review status: criteria provided, single submitter. Criteria: ARUP Molecular Germline Variant Investigation Process. Collection method: clinical testing. Allele origin: germline.

Breakthrough Genomics
Classification: Likely benign. Review status: criteria provided, single submitter. Criteria: ACMG Guidelines, 2015. Collection method: not provided. Allele origin: germline. Inheritance: Autosomal dominant inheritance. Affected: yes.

PreventionGenetics, part of Exact Sciences
Classification: Likely benign. Review status: criteria provided, single submitter. Criteria: ACMG Guidelines, 2015. Collection method: clinical testing. Allele origin: germline.

Department of Pathology and Laboratory Medicine, Sinai Health System
Classification: Likely benign for Polycystic Kidney disease. Review status: no assertion criteria provided. Collection method: clinical testing. Allele origin: unknown. Affected: yes. Study: The Canadian Open Genetics Repository (COGR). Not counted in ClinVar's aggregate classification.
Comment: The PKD1 c.7863+11C>T variant was not identified in the literature nor was it identified in the COGR, LOVD 3.0, or PKD1-LOVD databases. The variant was identified in the following databases: dbSNP (ID: rs368629973) as With Likely benign allele, ClinVar (classified as likely benign by Prevention Genetics), Clinvitae, ADPKD Mutation Database (classified as likely neutral). The variant was identified in control databases in 187 (1 homozygous) of 258962 chromosomes at a frequency of 0.0007 in the following populations: African in 160 (1 homozygous) of 22448 chromosomes (freq.: 0.007), Latino in 19 of 34196 chromosomes (freq.: 0.0005), European in 4 of 121094 chromosomes (freq.: 0.00003), Other in 4 of 6252 chromosomes (freq. 0.0006), increasing the likelihood this could be a low frequency benign variant (Genome Aggregation Consortium Feb 27, 2017). In addition we cannot be certain that data from control databases is specific to PKD1 and not from one of the six PKD1 pseudogenes. The variant occurs outside of the splicing consensus sequence and 1 of 5 in silico or computational prediction software programs (SpliceSiteFinder, MaxEntScan, NNSPLICE, GeneSplicer, HumanSpliceFinder) predict a greater than 10% difference in splicing; this is not very predictive of pathogenicity. In summary, based on the above information, the clinical significance of this variant cannot be determined with certainty at this time although we would lean towards a more benign role for this variant. This variant is classified as likely benign.